The following is an entry in ClinVar:

NM_024529.5(CDC73):c.1271C>T (p.Pro424Leu)

Gene: CDC73 (cell division cycle 73; plus strand). Cytogenetic location: 1q31.2.
Variant type: single nucleotide variant.
Coding change: c.1271C>T on transcript NM_024529.5 (MANE Select); coding-DNA position 1271, C replaced by T.
Protein change: p.Pro424Leu; replaces proline 424 with leucine.
Molecular consequence: missense variant.
Genome position (GRCh38, 1-based): chr1:193,233,109, C>T. VCF-style: chr1-193233109-C-T. GRCh37 (hg19) VCF-style: chr1-193202239-C-T.
Other names: short protein forms P424L.
Identifiers: ClinVar variation 3829906 (VCV003829906.1).

ClinVar aggregate classification (germline): Uncertain significance (1 of 4 stars; one submission).

Conditions:
Hereditary cancer-predisposing syndrome. Also called: Hereditary neoplastic syndrome; Neoplastic Syndromes, Hereditary; Tumor predisposition; Hereditary Cancer Syndrome. Identifiers: Orphanet 140162, MedGen C0027672, MeSH D009386, MONDO:0015356.

gnomAD v4.1: 1 of 1,613,562 alleles (0.000062%); highest among the groups gnomAD compares: Non-Finnish European, 0.000085%; no homozygotes.

Submission:

Ambry Genetics
Classification: Uncertain significance for Hereditary cancer-predisposing syndrome. Last evaluated: 2025-03-07. Review status: criteria provided, single submitter. Criteria: Ambry Variant Classification Scheme 2023. Collection method: clinical testing. Allele origin: germline.
Comment: The p.P424L variant (also known as c.1271C>T), located in coding exon 14 of the CDC73 gene, results from a C to T substitution at nucleotide position 1271. The proline at codon 424 is replaced by leucine, an amino acid with similar properties. This amino acid position is conserved. In addition, the in silico prediction for this alteration is inconclusive. Based on the available evidence, the clinical significance of this variant remains unclear.